The following is an entry in ClinVar:

ClinVar aggregate classification (germline): Benign (1 of 4 stars; one submission).

Submission:

GeneDx
Classification: Benign. Last evaluated: 2019-04-19. Review status: criteria provided, single submitter. Criteria: GeneDx Variant Classification Process June 2021. Collection method: clinical testing. Allele origin: germline. Affected: yes.
Comment: This variant is associated with the following publications: (PMID: 15635701)

NC_000002.12:g.156333107dup

Gene: NR4A2 (nuclear receptor subfamily 4 group A member 2; minus strand). Cytogenetic location: 2q24.1.
Variant type: Duplication.
Genome position: GRCh38 VCF-style: chr2-156333105-T-TG. GRCh37 (hg19) VCF-style: chr2-157189617-T-TG.
Identifiers: ClinVar variation 1233991 (VCV001233991.4), dbSNP rs34884856, ClinGen allele CA59155486.